The following is an entry in ClinVar:

ClinVar aggregate classification (germline): Uncertain significance (1 of 4 stars; one submission).

Submission:

GeneDx
Classification: Uncertain significance. Last evaluated: 2023-01-25. Review status: criteria provided, single submitter. Criteria: GeneDx Variant Classification Process June 2021. Collection method: clinical testing. Allele origin: germline. Affected: yes.
Comment: Not observed at significant frequency in large population cohorts (gnomAD); In silico analysis supports that this missense variant does not alter protein structure/function; Has not been previously published as pathogenic or benign to our knowledge

NM_006517.5(SLC16A2):c.890G>T (p.Arg297Leu)

Gene: SLC16A2 (solute carrier family 16 member 2; plus strand). Cytogenetic location: Xq13.2.
Variant type: single nucleotide variant.
Coding change: c.890G>T on transcript NM_006517.5 (MANE Select); coding-DNA position 890, G replaced by T.
Protein change: p.Arg297Leu; replaces arginine 297 with leucine.
Molecular consequence: missense variant.
Genome position (GRCh38, 1-based): chrX:74,524,673, G>T. VCF-style: chrX-74524673-G-T. GRCh37 (hg19) VCF-style: chrX-73744508-G-T.
Other names: short protein forms R297L.
Identifiers: ClinVar variation 2574315 (VCV002574315.1), dbSNP rs780086745, ClinGen allele CA413657508.